The following is an entry in ClinVar:

ClinVar aggregate classification (germline): Uncertain significance (1 of 4 stars; one submission).

Submission:

Ambry Genetics
Classification: Uncertain significance. Last evaluated: 2022-10-17. Review status: criteria provided, single submitter. Criteria: Ambry Variant Classification Scheme 2023. Collection method: clinical testing. Allele origin: germline.
Comment: The p.L1128S variant (also known as c.3383T>C), located in coding exon 17 of the NPAT gene, results from a T to C substitution at nucleotide position 3383. The leucine at codon 1128 is replaced by serine, an amino acid with dissimilar properties. This amino acid position is conserved. In addition, this alteration is predicted to be tolerated by in silico analysis. Since supporting evidence is limited at this time, the clinical significance of this alteration remains unclear.

NM_002519.3(NPAT):c.3383T>C (p.Leu1128Ser)

Gene: NPAT (nuclear protein, coactivator of histone transcription; minus strand). Cytogenetic location: 11q22.3.
Variant type: single nucleotide variant.
Coding change: c.3383T>C on transcript NM_002519.3 (MANE Select); coding-DNA position 3383, T replaced by C.
Protein change: p.Leu1128Ser; replaces leucine 1128 with serine.
Molecular consequence: missense variant.
Genome position (GRCh38, 1-based): chr11:108,161,703, A>G on the plus strand (T>C on the coding strand, the complement: NPAT is on the minus strand). VCF-style: chr11-108161703-A-G. GRCh37 (hg19) VCF-style: chr11-108032430-A-G.
Other names: c.3404T>C, p.Leu1135Ser (NM_001321307.1); short protein forms L1128S, L1135S.
Identifiers: ClinVar variation 1730834 (VCV001730834.2), dbSNP rs2496696186, ClinGen allele CA382510931.